The following is an entry in ClinVar:

ClinVar aggregate classification (germline): Pathogenic (1 of 4 stars; one submission).

Allele frequency attached by ClinVar (database versions not stated): gnomAD exomes below 0.00001; TOPMed below 0.00001; gnomAD 0.00001.

Submission:

Labcorp Genetics (formerly Invitae), Labcorp
Classification: Pathogenic. Last evaluated: 2022-05-05. Review status: criteria provided, single submitter. Criteria: Invitae Variant Classification Sherloc (09022015). Collection method: clinical testing. Allele origin: germline.
Comment: This variant has not been reported in the literature in individuals affected with TONSL-related conditions. This sequence change creates a premature translational stop signal (p.Ala819Aspfs*43) in the TONSL gene. It is expected to result in an absent or disrupted protein product. Loss-of-function variants in TONSL are known to be pathogenic (PMID: 30773277). This variant is present in population databases (no rsID available, gnomAD 0.001%). For these reasons, this variant has been classified as Pathogenic.

Literature cited by the submitters: PubMed 30773277.

NM_013432.5(TONSL):c.2455_2456insA (p.Ala819fs)

Genes: TONSL (tonsoku like, DNA repair protein; minus strand), TONSL-AS1 (TONSL antisense RNA 1; plus strand). Cytogenetic location: 8q24.3.
Variant type: Insertion.
Coding change: c.2455_2456insA on transcript NM_013432.5 (MANE Select); coding-DNA positions 2455 to 2456, A inserted.
Protein change: p.Ala819fs; shifts the reading frame from alanine 819.
Molecular consequence: frameshift variant.
Genome position: GRCh38 VCF-style: chr8-144435977-G-GT. GRCh37 (hg19) VCF-style: chr8-145661360-G-GT.
Other names: short protein forms A819fs.
Identifiers: ClinVar variation 2134072 (VCV002134072.4), dbSNP rs1564729703, ClinGen allele CA586163539.